The following continues an entry in ClinVar:

NM_000492.4(CFTR):c.1585-1G>A

ClinVar aggregate classification (germline): Pathogenic. Pathogenic (1).

Submissions 29 to 36 of 36:

Clinical Genetics Service, Universitary Hospital 12 de Octubre
Classification: Pathogenic for Cystic fibrosis. Review status: criteria provided, single submitter. Criteria: ACMG Guidelines, 2015. Collection method: clinical testing. Allele origin: germline. Affected: yes. Not counted in ClinVar's aggregate classification.

Kariminejad - Najmabadi Pathology & Genetics Center
Classification: Pathogenic for Cystic fibrosis. Review status: criteria provided, single submitter. Criteria: ACMG Guidelines, 2015. Collection method: clinical testing. Allele origin: germline. Affected: no. Not counted in ClinVar's aggregate classification.

Rady Children's Institute for Genomic Medicine, Rady Children's Hospital San Diego
Classification: Pathogenic for CYSTIC FIBROSIS. Review status: criteria provided, single submitter. Criteria: ACMG Guidelines, 2015. Collection method: clinical testing. Allele origin: germline. Affected: yes. Not counted in ClinVar's aggregate classification.
Comment: This variant has also been reported in the literature as c.1717-1G>A. This variant affects the canonical splice acceptor site of intron 10 and is therefore predicted to interfere with splicing and result in loss of normal protein function through either protein truncation or nonsense-mediated mRNA decay (NMD). This variant has been previously reported as a common pathogenic variant in individuals with cystic fibrosis (CF) (PMID: 2236053, 23974870, 20301428). Functional studies have demonstrated that this variant results in aberrant transcription of the CFTR gene (PMID: 25066652). It is present in the heterozygous state in the gnomAD population database at a frequency of 0.0071% (20/282220) and thus is presumed to be rare. Based on the available evidence, the c.1585-1G>A variant is classified as Pathogenic.

OMIM
Classification: Pathogenic for CYSTIC FIBROSIS. Last evaluated: 1990-11-01. Review status: no assertion criteria provided. Collection method: literature only. Allele origin: germline. Not counted in ClinVar's aggregate classification.

Clinical Genetics DNA and cytogenetics Diagnostics Lab, Erasmus MC, Erasmus Medical Center
Classification: Pathogenic. Review status: no assertion criteria provided. Collection method: clinical testing. Allele origin: germline. Affected: yes. Study: VKGL Data-share Consensus. Not counted in ClinVar's aggregate classification.

Diagnostic Laboratory, Department of Genetics, University Medical Center Groningen
Classification: Pathogenic. Review status: no assertion criteria provided. Collection method: clinical testing. Allele origin: germline. Affected: yes. Study: VKGL Data-share Consensus. Not counted in ClinVar's aggregate classification.

GeneReviews
No classification provided. Condition: Cystic fibrosis. Review status: no classification provided. Collection method: literature only. Allele origin: unknown. Not counted in ClinVar's aggregate classification.

Joint Genome Diagnostic Labs from Nijmegen and Maastricht, Radboudumc and MUMC+
Classification: Pathogenic. Review status: no assertion criteria provided. Collection method: clinical testing. Allele origin: germline. Affected: yes. Study: VKGL Data-share Consensus. Not counted in ClinVar's aggregate classification.

Literature cited by the submitters: PMC 3110945 (cited by American College of Medical Genetics and Genomics  (ACMG)); PubMed 8698344 (cited by Women's Health and Genetics/Laboratory Corporation of America, LabCorp); PubMed 8707306 (cited by Women's Health and Genetics/Laboratory Corporation of America, LabCorp); PubMed 9272157 (cited by Women's Health and Genetics/Laboratory Corporation of America, LabCorp); PubMed 7506096 (cited by Women's Health and Genetics/Laboratory Corporation of America, LabCorp); PubMed 12767731 (cited by Women's Health and Genetics/Laboratory Corporation of America, LabCorp); PubMed 1283148 (cited by Women's Health and Genetics/Laboratory Corporation of America, LabCorp); PubMed 2236053 (cited by 6 submitters); PubMed 11168024 (cited by Women's Health and Genetics/Laboratory Corporation of America, LabCorp); PubMed 23974870 (cited by 7 submitters); PubMed 16199547 (cited by Labcorp Genetics (formerly Invitae), Labcorp); PubMed 1695717 (cited by Labcorp Genetics (formerly Invitae), Labcorp); PubMed 7691345 (cited by Labcorp Genetics (formerly Invitae), Labcorp); PubMed 9725922 (cited by Labcorp Genetics (formerly Invitae), Labcorp); PubMed 15371902 (cited by 4 submitters); PubMed 25066652 (cited by 4 submitters); PubMed 7689009 (cited by Dasa and Quest Diagnostics Nichols Institute San Juan Capistrano); PubMed 26708955 (cited by Dasa and Quest Diagnostics Nichols Institute San Juan Capistrano); PubMed 12000363 (cited by Dasa); PubMed 28603918 (cited by Dasa); PubMed 1757966 (cited by Rare Kidney Stone Consortium and the Mayo Clinic Hyperoxaluria Center, Mayo Clinic and Quest Diagnostics Nichols Institute San Juan Capistrano); PubMed 20021716 (cited by Rare Kidney Stone Consortium and the Mayo Clinic Hyperoxaluria Center, Mayo Clinic); PubMed 21520337 (cited by Rare Kidney Stone Consortium and the Mayo Clinic Hyperoxaluria Center, Mayo Clinic); PubMed 21679131 (cited by Rare Kidney Stone Consortium and the Mayo Clinic Hyperoxaluria Center, Mayo Clinic); PubMed 22658665 (cited by Rare Kidney Stone Consortium and the Mayo Clinic Hyperoxaluria Center, Mayo Clinic); PubMed 22975760 (cited by Rare Kidney Stone Consortium and the Mayo Clinic Hyperoxaluria Center, Mayo Clinic); PubMed 24440181 (cited by Rare Kidney Stone Consortium and the Mayo Clinic Hyperoxaluria Center, Mayo Clinic); PubMed 25087612 (cited by Rare Kidney Stone Consortium and the Mayo Clinic Hyperoxaluria Center, Mayo Clinic); PubMed 26474553 (cited by Rare Kidney Stone Consortium and the Mayo Clinic Hyperoxaluria Center, Mayo Clinic); PubMed 29261177 (cited by Rare Kidney Stone Consortium and the Mayo Clinic Hyperoxaluria Center, Mayo Clinic and Quest Diagnostics Nichols Institute San Juan Capistrano); PubMed 31036917 (cited by Rare Kidney Stone Consortium and the Mayo Clinic Hyperoxaluria Center, Mayo Clinic and Quest Diagnostics Nichols Institute San Juan Capistrano); PubMed 31345219 (cited by Rare Kidney Stone Consortium and the Mayo Clinic Hyperoxaluria Center, Mayo Clinic and Quest Diagnostics Nichols Institute San Juan Capistrano); PubMed 31589614 (cited by Rare Kidney Stone Consortium and the Mayo Clinic Hyperoxaluria Center, Mayo Clinic and Quest Diagnostics Nichols Institute San Juan Capistrano); PubMed 34782259 (cited by Rare Kidney Stone Consortium and the Mayo Clinic Hyperoxaluria Center, Mayo Clinic and Quest Diagnostics Nichols Institute San Juan Capistrano); PubMed 34996830 (cited by Rare Kidney Stone Consortium and the Mayo Clinic Hyperoxaluria Center, Mayo Clinic and Quest Diagnostics Nichols Institute San Juan Capistrano); PubMed 36007526 (cited by Rare Kidney Stone Consortium and the Mayo Clinic Hyperoxaluria Center, Mayo Clinic and Quest Diagnostics Nichols Institute San Juan Capistrano); PubMed 37175647 (cited by Rare Kidney Stone Consortium and the Mayo Clinic Hyperoxaluria Center, Mayo Clinic and Quest Diagnostics Nichols Institute San Juan Capistrano); PubMed 37867076 (cited by Rare Kidney Stone Consortium and the Mayo Clinic Hyperoxaluria Center, Mayo Clinic); PubMed 9272738 (cited by Rare Kidney Stone Consortium and the Mayo Clinic Hyperoxaluria Center, Mayo Clinic); PubMed 40794449 (cited by Rare Kidney Stone Consortium and the Mayo Clinic Hyperoxaluria Center, Mayo Clinic); PubMed 25688174 (cited by Natera, Inc.); PubMed 16046196 (cited by Natera, Inc.); PubMed 25583415 (cited by Natera, Inc.); PubMed 2210769 (cited by Quest Diagnostics Nichols Institute San Juan Capistrano and OMIM); PubMed 20301428 (cited by Illumina Laboratory Services, Illumina and GeneReviews).